The following is an entry in ClinVar:

NM_000169.3(GLA):c.837G>C (p.Gln279His)

Genes: GLA (galactosidase alpha; minus strand), RPL36A-HNRNPH2 (RPL36A-HNRNPH2 readthrough; plus strand). Cytogenetic location: Xq22.1.
Variant type: single nucleotide variant.
Coding change: c.837G>C on transcript NM_000169.3 (MANE Select); coding-DNA position 837, G replaced by C.
Protein change: p.Gln279His; replaces glutamine 279 with histidine.
Molecular consequence: missense variant. On other transcripts: non-coding transcript variant (3), intron variant (2).
Genome position (GRCh38, 1-based): chrX:101,398,532, C>G on the plus strand (G>C on the coding strand, the complement: GLA is on the minus strand). VCF-style: chrX-101398532-C-G. GRCh37 (hg19) VCF-style: chrX-100653520-C-G.
Other names: c.960G>C, p.Gln320His (NM_001406747.1); c.837G>C, p.Gln279His (NM_001406748.1); c.300+3075C>G (NM_001199973.2); c.177+6710C>G (NM_001199974.2); short protein forms Q279H, Q320H.
Identifiers: ClinVar variation 4087538 (VCV004087538.2).

ClinVar aggregate classification (germline): Pathogenic (1 of 4 stars; one submission).

Conditions:
Fabry disease. Also called: ALPHA-GALACTOSIDASE A DEFICIENCY; ANDERSON-FABRY DISEASE; CERAMIDE TRIHEXOSIDASE DEFICIENCY; GLA DEFICIENCY; HEREDITARY DYSTOPIC LIPIDOSIS; Angiokeratoma corporis diffusum. Identifiers: Orphanet 324, MedGen C0002986, MONDO:0010526, OMIM 301500, HP:0001071. Disease mechanism: Fabry disease is due to inactivating mutations in the X-linked GLA gene resulting in deficiency of the enzyme Alpha Galactosidase-A., loss of function.

Submission:

Genomenon, Inc
Classification: Pathogenic for Fabry disease. Last evaluated: 2026-09-08. Review status: criteria provided, single submitter. Criteria: Genomenon Sequence Variant Interpretation Standards - Updated. Collection method: curation. Allele origin: germline. Affected: yes.
Comment: GLA p.Gln279His (c.837G>C) is a missense variant that changes the amino acid at codon 279 from Glutamine to Histidine. This variant has been observed in at least one proband with clinical features consistent with Fabry disease (PMID:11668641;28672034;38895855). The variant was found to segregate with disease in at least one affected family (PMID:28672034). At least one functional study has demonstrated a substantial alteration in protein function relative to the wild-type (PMID:27657681). It is absent or not present at a significant frequency in gnomAD. In silico models predict that this variant is possibly or probably damaging. In conclusion, we classify GLA p.Gln279His (c.837G>C) as a pathogenic variant.

Literature cited by the submitters: PubMed 11668641; PubMed 28672034; PubMed 38895855; PubMed 27657681.